The following is an entry in ClinVar:

ClinVar aggregate classification (germline): Pathogenic (1 of 4 stars; one submission).

Conditions:
Deficiency of alpha-mannosidase (MANSA). Also called: Alpha-Mannosidosis; LYSOSOMAL ALPHA-D-MANNOSIDASE DEFICIENCY; Mannosidosis, alpha-, types I and II. Identifiers: Orphanet 61, MedGen C0024748, MONDO:0009561, OMIM 248500.

Submission:

Labcorp Genetics (formerly Invitae), Labcorp
Classification: Pathogenic for Deficiency of alpha-mannosidase. Last evaluated: 2022-11-10. Review status: criteria provided, single submitter. Criteria: Invitae Variant Classification Sherloc (09022015). Collection method: clinical testing. Allele origin: germline.
Comment: This variant has not been reported in the literature in individuals affected with MAN2B1-related conditions. For these reasons, this variant has been classified as Pathogenic. This variant is not present in population databases (gnomAD no frequency). This sequence change creates a premature translational stop signal (p.Tyr428Metfs*49) in the MAN2B1 gene. It is expected to result in an absent or disrupted protein product. Loss-of-function variants in MAN2B1 are known to be pathogenic (PMID: 9915946, 22161967).

Literature cited by the submitters: PubMed 9915946; PubMed 22161967.

NM_000528.4(MAN2B1):c.1278del (p.Tyr428fs)

Gene: MAN2B1 (mannosidase alpha class 2B member 1; minus strand). Cytogenetic location: 19p13.13.
Variant type: Deletion.
Coding change: c.1278del on transcript NM_000528.4 (MANE Select); coding-DNA position 1278, one base deleted (A; older notation c.1278delA).
Protein change: p.Tyr428fs; shifts the reading frame from tyrosine 428.
Molecular consequence: frameshift variant.
Genome position (GRCh38, 1-based): chr19:12,658,094, T deleted on the plus strand (A on the coding strand, the reverse complement: MAN2B1 is on the minus strand). VCF-style (leftmost placement, unchanged base first): chr19-12658093-GT-G. GRCh37 (hg19) VCF-style: chr19-12768907-GT-G.
Other names: c.1275del, p.Tyr427fs (NM_001173498.2); short protein forms Y427fs, Y428fs.
Identifiers: ClinVar variation 2813161 (VCV002813161.3), dbSNP rs2512503118, ClinGen allele CA2739276573.